The following is an entry in ClinVar:

ClinVar aggregate classification (germline): Pathogenic (1 of 4 stars; one submission).

Conditions:
Hereditary cancer-predisposing syndrome. Also called: Hereditary Cancer Syndrome; Hereditary neoplastic syndrome; Neoplastic Syndromes, Hereditary; Tumor predisposition. Identifiers: Orphanet 140162, MedGen C0027672, MeSH D009386, MONDO:0015356.

Submission:

Ambry Genetics
Classification: Pathogenic for Hereditary cancer-predisposing syndrome. Last evaluated: 2019-03-14. Review status: criteria provided, single submitter. Criteria: Ambry Variant Classification Scheme 2023. Collection method: clinical testing. Allele origin: germline.
Comment: The c.1498dupT pathogenic mutation, located in coding exon 11 of the APC gene, results from a duplication of T at nucleotide position 1498, causing a translational frameshift with a predicted alternate stop codon (p.Y500Lfs*37). This alteration is expected to result in loss of function by premature protein truncation or nonsense-mediated mRNA decay. As such, this alteration is interpreted as a disease-causing mutation.

NM_000038.6(APC):c.1498dup (p.Tyr500fs)

Gene: APC (APC regulator of Wnt signaling pathway; plus strand). Cytogenetic location: 5q22.2.
Variant type: Duplication.
Coding change: c.1498dup on transcript NM_000038.6 (MANE Select); coding-DNA position 1498, one base duplicated (T; older notation c.1498dupT).
Protein change: p.Tyr500fs; shifts the reading frame from tyrosine 500.
Molecular consequence: frameshift variant.
Genome position (GRCh38, 1-based): chr5:112,827,197, T duplicated. VCF-style (leftmost placement, unchanged base first): chr5-112827196-A-AT. GRCh37 (hg19) VCF-style: chr5-112162893-A-AT.
Other names: c.1477dup, p.Tyr493Leufs (NM_001407451.1); c.1249dup, p.Tyr417Leufs (NM_001407455.1, NM_001407456.1, NM_001407454.1 and 1 more transcripts); c.1195dup, p.Tyr399Leufs (NM_001407458.1, NM_001407459.1, NM_001407460.1); c.1468dup, p.Tyr490Leufs (NM_001407452.1); c.1321dup, p.Tyr441Leufs (NM_001407453.1); c.1498dup, p.Tyr500fs (NM_001127510.3, NM_001354895.2); c.1444dup, p.Tyr482fs (NM_001127511.3); c.1552dup, p.Tyr518fs (NM_001354896.2); and 16 more; short protein forms Y441fs, Y472fs, Y518fs, Y500fs, Y510fs, Y374fs, Y459fs, Y475fs.
Identifiers: ClinVar variation 1773924 (VCV001773924.2), dbSNP rs2533199200, ClinGen allele CA2580072284.